The following is an entry in ClinVar:

ClinVar aggregate classification (germline): Uncertain significance (1 of 4 stars; one submission).

gnomAD v4.1: 32 of 1,612,998 alleles (0.002%); highest among the groups gnomAD compares: South Asian, 0.0099%; no homozygotes.

Submission:

Labcorp Genetics (formerly Invitae), Labcorp
Classification: Uncertain significance. Last evaluated: 2025-12-27. Review status: criteria provided, single submitter. Criteria: Invitae Variant Classification Sherloc (09022015). Collection method: clinical testing. Allele origin: germline.
Comment: This sequence change replaces valine, which is neutral and non-polar, with isoleucine, which is neutral and non-polar, at codon 790 of the WHSC1 protein (p.Val790Ile). This variant is present in population databases (rs761204359, gnomAD 0.006%). This variant has not been reported in the literature in individuals affected with WHSC1-related conditions. Invitae Evidence Modeling of protein sequence and biophysical properties (such as structural, functional, and spatial information, amino acid conservation, physicochemical variation, residue mobility, and thermodynamic stability) indicates that this missense variant is not expected to disrupt WHSC1 protein function with a negative predictive value of 80%. In summary, the available evidence is currently insufficient to determine the role of this variant in disease. Therefore, it has been classified as a Variant of Uncertain Significance.

NM_001042424.3(NSD2):c.2368G>A (p.Val790Ile)

Gene: NSD2 (nuclear receptor binding SET domain protein 2; plus strand). Cytogenetic location: 4p16.3.
Variant type: single nucleotide variant.
Coding change: c.2368G>A on transcript NM_001042424.3 (MANE Select); coding-DNA position 2368, G replaced by A.
Protein change: p.Val790Ile; replaces valine 790 with isoleucine.
Molecular consequence: missense variant.
Genome position (GRCh38, 1-based): chr4:1,955,190, G>A. VCF-style: chr4-1955190-G-A. GRCh37 (hg19) VCF-style: chr4-1956917-G-A.
Other names: c.2368G>A, p.Val790Ile (NM_001440892.1, NM_001440894.1, NM_001440895.1 and 3 more transcripts); c.2467G>A, p.Val823Ile (NM_001440893.1); c.2167G>A, p.Val723Ile (NM_001440896.1); c.2161G>A, p.Val721Ile (NM_001440897.1, NM_001440898.1); c.1399G>A, p.Val467Ile (NM_001440899.1, NM_001440900.1); short protein forms V721I, V723I, V790I, V823I, V467I.
Identifiers: ClinVar variation 4695758 (VCV004695758.1).